The following is an entry in ClinVar:

ClinVar aggregate classification (germline): Conflicting classifications of pathogenicity. Review status: criteria provided, conflicting classifications (1 of 4 stars). 4 submissions from 4 submitters: Likely pathogenic (1); Uncertain significance (3). Last evaluated 2024-03-25.

Conditions:
Progressive myoclonic epilepsy type 3. Also called: KCTD7-Related Progressive Myoclonic Epilepsy; EPILEPSY, PROGRESSIVE MYOCLONIC, 3, WITH OR WITHOUT INTRACELLULAR INCLUSIONS; CEROID LIPOFUSCINOSIS, NEURONAL, 14; EPILEPSY, PROGRESSIVE MYOCLONIC, 3, WITHOUT INTRACELLULAR INCLUSIONS. Identifiers: Orphanet 263516, MedGen C2673257, MONDO:0012721, OMIM 611726.

gnomAD v4.1: 2 of 1,613,850 alleles (0.00012%); highest among the groups gnomAD compares: South Asian, 0.0011%; no homozygotes.

Submissions (4):

Genomic Medicine Center of Excellence, King Faisal Specialist Hospital and Research Centre
Classification: Uncertain significance for Progressive myoclonic epilepsy type 3. Last evaluated: 2024-03-25. Review status: criteria provided, single submitter. Criteria: ACMG Guidelines, 2015. Collection method: clinical testing. Allele origin: germline.

Human Genome Lab, NIMHANS, National Institute of Mental Health and Neuro Sciences
Classification: Likely pathogenic for Progressive myoclonic epilepsy type 3. Last evaluated: 2023-10-18. Review status: criteria provided, single submitter. Criteria: ACMG Guidelines, 2015. Collection method: clinical testing. Allele origin: germline. Inheritance: Autosomal recessive inheritance. Affected: yes. Observed: 1 compound heterozygote.
Comment: The missense variant NM_153033.5:c.208C>T; NP_694578.1:p.Arg70Trp is a previously reported variant of uncertain significance (ClinVar Accession ID: VCV001046937.5). The p.Arg70Trp variant is novel (not in any individuals) in 1000 Genomes, in gnomAD as well as in our inhouse database. There is a moderate physicochemical difference between arginine and tryptophan. The gene KCTD7 has a low rate of benign missense variation as indicated by a high missense variants Z-Score of 1.26. The gene KCTD7 contains 15 pathogenic missense variants, indicating that missense variants are a common mechanism of disease in this gene. 2 variants within 6 amino acid positions of the variant p.Arg70Trp have been shown to be pathogenic, while none have been shown to be benign. In addition, the phenotype of the proband matches to that of the disorder caused by pathogenic variants in KCTD7 gene. For these reasons, this variant has been classified as Likely Pathogenic (PM2 PM1 PP2 PP4)

Labcorp Genetics (formerly Invitae), Labcorp
Classification: Uncertain significance for Progressive myoclonic epilepsy type 3. Last evaluated: 2022-03-22. Review status: criteria provided, single submitter. Criteria: Invitae Variant Classification Sherloc (09022015). Collection method: clinical testing. Allele origin: germline.
Comment: This sequence change replaces arginine, which is basic and polar, with tryptophan, which is neutral and slightly polar, at codon 70 of the KCTD7 protein (p.Arg70Trp). In summary, the available evidence is currently insufficient to determine the role of this variant in disease. Therefore, it has been classified as a Variant of Uncertain Significance. Experimental studies have shown that this missense change affects KCTD7 function (PMID: 30295347). Algorithms developed to predict the effect of missense changes on protein structure and function are either unavailable or do not agree on the potential impact of this missense change (SIFT: "Deleterious"; PolyPhen-2: "Probably Damaging"; Align-GVGD: "Class C0"). ClinVar contains an entry for this variant (Variation ID: 1046937). This missense change has been observed in individuals with clinical features of neuronal ceroid lipofuscinosis (PMID: 30295347, 31130284). This variant is not present in population databases (gnomAD no frequency).

GeneDx
Classification: Uncertain significance. Last evaluated: 2020-12-14. Review status: criteria provided, single submitter. Criteria: GeneDx Variant Classification Process June 2021. Collection method: clinical testing. Allele origin: germline. Affected: yes.
Comment: Not observed in large population cohorts (Lek et al., 2016); In silico analysis supports that this missense variant has a deleterious effect on protein structure/function; This variant is associated with the following publications: (PMID: 30295347, 31130284, 30825425)

Literature cited by the submitters: PubMed 30295347 (cited by Labcorp Genetics (formerly Invitae), Labcorp); PubMed 31130284 (cited by Labcorp Genetics (formerly Invitae), Labcorp).

NM_153033.5(KCTD7):c.208C>T (p.Arg70Trp)

Gene: KCTD7 (potassium channel tetramerization domain containing 7; plus strand). Cytogenetic location: 7q11.21.
Variant type: single nucleotide variant.
Coding change: c.208C>T on transcript NM_153033.5 (MANE Select); coding-DNA position 208, C replaced by T.
Protein change: p.Arg70Trp; replaces arginine 70 with tryptophan.
Molecular consequence: missense variant.
Genome position (GRCh38, 1-based): chr7:66,633,338, C>T. VCF-style: chr7-66633338-C-T. GRCh37 (hg19) VCF-style: chr7-66098325-C-T.
Other names: c.208C>T, p.Arg70Trp (NM_001167961.2); short protein forms R70W.
Identifiers: ClinVar variation 1046937 (VCV001046937.10), dbSNP rs867319899, ClinGen allele CA160219741.